The following is an entry in ClinVar:

NM_001008537.3(NEXMIF):c.3728G>A (p.Arg1243His)

Gene: NEXMIF (neurite extension and migration factor; minus strand). Cytogenetic location: Xq13.3.
Variant type: single nucleotide variant.
Coding change: c.3728G>A on transcript NM_001008537.3 (MANE Select); coding-DNA position 3728, G replaced by A.
Protein change: p.Arg1243His; replaces arginine 1243 with histidine.
Molecular consequence: missense variant.
Genome position (GRCh38, 1-based): chrX:74,740,829, C>T on the plus strand (G>A on the coding strand, the complement: NEXMIF is on the minus strand). VCF-style: chrX-74740829-C-T. GRCh37 (hg19) VCF-style: chrX-73960664-C-T.
Other names: short protein forms R1243H.
Identifiers: ClinVar variation 1033189 (VCV001033189.11), dbSNP rs1256402686, ClinGen allele CA413664876.

ClinVar aggregate classification (germline): Conflicting classifications of pathogenicity. Review status: criteria provided, conflicting classifications (1 of 4 stars). 4 submissions from 4 submitters: Uncertain significance (2); Benign (1); Likely benign (1). Last evaluated 2024-09-20.

Conditions:
X-linked intellectual disability, Cantagrel type (XLID98). Also called: INTELLECTUAL DEVELOPMENTAL DISORDER, X-LINKED 98. Identifiers: Orphanet 85277, MedGen C3806730, MONDO:0010483, OMIM 300912.

Allele frequency attached by ClinVar (database versions not stated): gnomAD exomes 0.00002; TOPMed 0.00005.

Submissions (4):

Ambry Genetics
Classification: Uncertain significance. Last evaluated: 2024-09-20. Review status: criteria provided, single submitter. Criteria: Ambry Variant Classification Scheme 2023. Collection method: clinical testing. Allele origin: germline.

Labcorp Genetics (formerly Invitae), Labcorp
Classification: Benign. Last evaluated: 2024-01-31. Review status: criteria provided, single submitter. Criteria: Invitae Variant Classification Sherloc (09022015). Collection method: clinical testing. Allele origin: germline.

Institute of Human Genetics, University of Leipzig Medical Center
Classification: Likely benign for X-linked intellectual disability, Cantagrel type. Last evaluated: 2022-01-18. Review status: criteria provided, single submitter. Criteria: ACMG Guidelines, 2015. Collection method: clinical testing. Allele origin: germline. Affected: no.
Comment: Criteria applied: BP4_SUP, BS2_SUP

Baylor Genetics
Classification: Uncertain significance for X-linked intellectual disability, Cantagrel type. Last evaluated: 2018-04-20. Review status: criteria provided, single submitter. Criteria: ACMG Guidelines, 2015. Collection method: clinical testing. Allele origin: maternal. Affected: yes.
Comment: This variant was determined to be of uncertain significance according to ACMG Guidelines, 2015 [PMID:25741868].